The following is an entry in ClinVar:

NM_000218.3(KCNQ1):c.1514+25673_1514+25675del

Genes: KCNQ1 (potassium voltage-gated channel subfamily Q member 1; plus strand), KCNQ1OT1 (KCNQ1 opposite strand/antisense transcript 1; minus strand). Cytogenetic location: 11p15.5.
Variant type: Microsatellite.
Coding change: c.1514+25673_1514+25675del on transcript NM_000218.3 (MANE Select); bases 25673 to 25675 of the intron after coding-DNA position 1514, 3 bases deleted (AGA; older notation c.1514+25673_1514+25675delAGA).
Molecular consequence: intron variant. On other transcripts: non-coding transcript variant (1).
Genome position (GRCh38, 1-based): chr11:2,687,754-2,687,756, AGA deleted; deleting any 3 consecutive bases within chr11:2,687,751-2,687,756 gives the same sequence; the c. name uses the placement nearest the transcript's 3' end. VCF-style (leftmost placement, unchanged base first): chr11-2687750-GAGA-G. GRCh37 (hg19) VCF-style: chr11-2708980-GAGA-G.
Other names: c.1244+25673_1244+25675del (NM_001406837.1); c.1418+25673_1418+25675del (NM_001406836.1); c.974+25673_974+25675del (NM_001406838.1); c.1133+25673_1133+25675del (NM_181798.2).
Identifiers: ClinVar variation 3389385 (VCV003389385.14).

ClinVar aggregate classification (germline): Benign (1 of 4 stars; one submission).

Submission:

CeGaT Center for Human Genetics Tuebingen
Classification: Benign. Last evaluated: 2026-08-01. Review status: criteria provided, single submitter. Criteria: CeGaT Center For Human Genetics Tuebingen Variant Classification Criteria Version 2. Collection method: clinical testing. Allele origin: germline. Affected: yes. Observed: 5 variant alleles.
Comment: KCNQ1OT1: BS1, BS2